The following is an entry in ClinVar:

ClinVar aggregate classification (germline): Uncertain significance. Review status: criteria provided, multiple submitters, no conflicts (2 of 4 stars). 2 submissions from 2 submitters: Uncertain significance (2). Last evaluated 2025-07-28.

Conditions:
Familial thoracic aortic aneurysm and aortic dissection (TAAD). Also called: Thoracic aortic aneurysms and dissections. Identifiers: Orphanet 91387, MedGen C4707243, MONDO:0019625.
Marfan syndrome (MFS). Also called: MARFAN SYNDROME, TYPE I; Marfan syndrome type 1; Marfan's syndrome; Marfan syndrome, classic; FBN1-Related Marfan Syndrome. Identifiers: Orphanet 284963, Orphanet 558, MedGen C0024796, MONDO:0007947, OMIM 154700.

gnomAD v4.1: 3 of 1,613,542 alleles (0.00019%); highest among the groups gnomAD compares: Non-Finnish European, 0.00025%; no homozygotes.

Submissions (2):

Color Diagnostics, LLC DBA Color Health
Classification: Uncertain significance for Familial thoracic aortic aneurysm and aortic dissection. Last evaluated: 2025-07-28. Review status: criteria provided, single submitter. Criteria: ACMG Guidelines, 2015. Collection method: clinical testing. Allele origin: germline.
Comment: This missense variant replaces glycine with valine at codon 940 of the FBN1 protein. Computational prediction suggests that this variant may have a deleterious impact on protein structure and function. To our knowledge, functional studies have not been reported for this variant. This variant has been reported in an individual suspected to be affected with heritable thoracic aortic dissection and aneurysm (PMID: 25644172). This variant has been identified in 1/251468 chromosomes in the general population by the Genome Aggregation Database (gnomAD). The available evidence is insufficient to determine the role of this variant in disease conclusively. Therefore, this variant is classified as a Variant of Uncertain Significance.

Labcorp Genetics (formerly Invitae), Labcorp
Classification: Uncertain significance for Marfan syndrome; Familial thoracic aortic aneurysm and aortic dissection. Last evaluated: 2024-12-15. Review status: criteria provided, single submitter. Criteria: Invitae Variant Classification Sherloc (09022015). Collection method: clinical testing. Allele origin: germline.
Comment: This sequence change replaces glycine, which is neutral and non-polar, with valine, which is neutral and non-polar, at codon 940 of the FBN1 protein (p.Gly940Val). This variant is present in population databases (rs759776685, gnomAD 0.0009%). This missense change has been observed in individual(s) with clinical features of FBN1-related conditions (PMID: 25644172). Invitae Evidence Modeling of protein sequence and biophysical properties (such as structural, functional, and spatial information, amino acid conservation, physicochemical variation, residue mobility, and thermodynamic stability) indicates that this missense variant is expected to disrupt FBN1 protein function with a positive predictive value of 95%. In summary, the available evidence is currently insufficient to determine the role of this variant in disease. Therefore, it has been classified as a Variant of Uncertain Significance.

Literature cited by the submitters: PubMed 25644172 (cited by Color Diagnostics, LLC DBA Color Health and Labcorp Genetics (formerly Invitae), Labcorp).

NM_000138.5(FBN1):c.2819G>T (p.Gly940Val)

Gene: FBN1 (fibrillin 1; minus strand). Cytogenetic location: 15q21.1.
Variant type: single nucleotide variant.
Coding change: c.2819G>T on transcript NM_000138.5 (MANE Select); coding-DNA position 2819, G replaced by T.
Protein change: p.Gly940Val; replaces glycine 940 with valine.
Molecular consequence: missense variant.
Genome position (GRCh38, 1-based): chr15:48,492,496, C>A on the plus strand (G>T on the coding strand, the complement: FBN1 is on the minus strand). VCF-style: chr15-48492496-C-A. GRCh37 (hg19) VCF-style: chr15-48784693-C-A.
Other names: c.2819G>T, p.Gly940Val (NM_001406716.1); short protein forms G940V.
Identifiers: ClinVar variation 3750840 (VCV003750840.3).